The following is an entry in ClinVar:

NM_025243.4(SLC19A3):c.955G>C (p.Val319Leu)

Gene: SLC19A3 (solute carrier family 19 member 3; minus strand). Cytogenetic location: 2q36.3.
Variant type: single nucleotide variant.
Coding change: c.955G>C on transcript NM_025243.4 (MANE Select); coding-DNA position 955, G replaced by C.
Protein change: p.Val319Leu; replaces valine 319 with leucine.
Molecular consequence: missense variant.
Genome position (GRCh38, 1-based): chr2:227,698,760, C>G on the plus strand (G>C on the coding strand, the complement: SLC19A3 is on the minus strand). VCF-style: chr2-227698760-C-G. GRCh37 (hg19) VCF-style: chr2-228563476-C-G.
Other names: c.955G>C, p.Val319Leu (NM_001371411.1, NM_001371412.1); c.943G>C, p.Val315Leu (NM_001371413.1, NM_001371414.1); short protein forms V315L, V319L.
Identifiers: ClinVar variation 2196591 (VCV002196591.4), dbSNP rs372511010, ClinGen allele CA350876098.

ClinVar aggregate classification (germline): Uncertain significance (1 of 4 stars; one submission).

Conditions:
Biotin-responsive basal ganglia disease (BTBGD). Also called: Thiamine metabolism dysfunction syndrome 2 (biotin- or thiamine-responsive encephalopathy type 2); thiamine-responsive encephalopathy; Thiamine Transporter-2 Deficiency; Thiamine metabolism dysfunction syndrome type 2; THIAMINE METABOLISM DYSFUNCTION SYNDROME 2 (BIOTIN- AND THIAMINE-RESPONSIVE TYPE). Identifiers: Orphanet 199348, Orphanet 65284, MedGen C1843807, MONDO:0011841, OMIM 607483.

gnomAD v4.1: 1 of 1,613,814 alleles (0.000062%); highest among the groups gnomAD compares: Admixed American, 0.0017%; no homozygotes.

Submission:

Labcorp Genetics (formerly Invitae), Labcorp
Classification: Uncertain significance for Biotin-responsive basal ganglia disease. Last evaluated: 2024-02-24. Review status: criteria provided, single submitter. Criteria: Invitae Variant Classification Sherloc (09022015). Collection method: clinical testing. Allele origin: germline.
Comment: This sequence change replaces valine, which is neutral and non-polar, with leucine, which is neutral and non-polar, at codon 319 of the SLC19A3 protein (p.Val319Leu). This variant is not present in population databases (gnomAD no frequency). This variant has not been reported in the literature in individuals affected with SLC19A3-related conditions. ClinVar contains an entry for this variant (Variation ID: 2196591). Advanced modeling of protein sequence and biophysical properties (such as structural, functional, and spatial information, amino acid conservation, physicochemical variation, residue mobility, and thermodynamic stability) performed at Invitae indicates that this missense variant is expected to disrupt SLC19A3 protein function with a positive predictive value of 80%. In summary, the available evidence is currently insufficient to determine the role of this variant in disease. Therefore, it has been classified as a Variant of Uncertain Significance.